The following is an entry in ClinVar:

NM_000431.4(MVK):c.641T>A (p.Leu214His)

Gene: MVK (mevalonate kinase; plus strand). Cytogenetic location: 12q24.11.
Variant type: single nucleotide variant.
Coding change: c.641T>A on transcript NM_000431.4 (MANE Select); coding-DNA position 641, T replaced by A.
Protein change: p.Leu214His; replaces leucine 214 with histidine.
Molecular consequence: missense variant.
Genome position (GRCh38, 1-based): chr12:109,586,763, T>A. VCF-style: chr12-109586763-T-A. GRCh37 (hg19) VCF-style: chr12-110024568-T-A.
Other names: c.641T>A, p.Leu214His (NM_001114185.3); c.485T>A, p.Leu162His (NM_001301182.2); short protein forms L162H, L214H.
Identifiers: ClinVar variation 1718890 (VCV001718890.6), dbSNP rs2548631824, ClinGen allele CA386648194.

ClinVar aggregate classification (germline): Uncertain significance. Review status: criteria provided, multiple submitters, no conflicts (2 of 4 stars). 2 submissions from 2 submitters: Uncertain significance (2). Last evaluated 2026-01-21.

Conditions:
Inborn genetic diseases. Identifiers: MedGen C0950123, MeSH D030342.
Mevalonic aciduria (MEVA). Identifiers: Orphanet 29, MedGen C1959626, MONDO:0012481, OMIM 610377.
Porokeratosis 3, disseminated superficial actinic type (POROK3). Also called: POROKERATOSIS 3, MULTIPLE TYPES; POROKERATOSIS 3, MIBELLI TYPE; POROKERATOSIS, DISSEMINATED SUPERFICIAL ACTINIC, 1. Identifiers: MedGen C1867981, MONDO:0008293, OMIM 175900.
Hyperimmunoglobulin D with periodic fever (HIDS). Also called: Hyperimmunoglobulinemia D with periodic fever; HYPERIMMUNOGLOBULINEMIA D AND PERIODIC FEVER SYNDROME; Hyperimmunoglobulinemia D. Identifiers: Orphanet 343, MedGen C0398691, MONDO:0009849, OMIM 260920.

Submissions (2):

Ambry Genetics
Classification: Uncertain significance for Inborn genetic diseases. Last evaluated: 2026-01-21. Review status: criteria provided, single submitter. Criteria: Ambry Variant Classification Scheme 2023. Collection method: clinical testing. Allele origin: germline.

Labcorp Genetics (formerly Invitae), Labcorp
Classification: Uncertain significance for Mevalonic aciduria; Hyperimmunoglobulin D with periodic fever; Porokeratosis 3, disseminated superficial actinic type. Last evaluated: 2024-04-22. Review status: criteria provided, single submitter. Criteria: Invitae Variant Classification Sherloc (09022015). Collection method: clinical testing. Allele origin: germline.
Comment: This sequence change replaces leucine, which is neutral and non-polar, with histidine, which is basic and polar, at codon 214 of the MVK protein (p.Leu214His). This variant is not present in population databases (gnomAD no frequency). This variant has not been reported in the literature in individuals affected with MVK-related conditions. ClinVar contains an entry for this variant (Variation ID: 1718890). Advanced modeling of protein sequence and biophysical properties (such as structural, functional, and spatial information, amino acid conservation, physicochemical variation, residue mobility, and thermodynamic stability) performed at Invitae indicates that this missense variant is expected to disrupt MVK protein function with a positive predictive value of 80%. In summary, the available evidence is currently insufficient to determine the role of this variant in disease. Therefore, it has been classified as a Variant of Uncertain Significance.